The following is an entry in ClinVar:

NM_003647.3(DGKE):c.127C>T (p.Gln43Ter)

Gene: DGKE (diacylglycerol kinase epsilon; plus strand). Cytogenetic location: 17q22.
Variant type: single nucleotide variant.
Coding change: c.127C>T on transcript NM_003647.3 (MANE Select); coding-DNA position 127, C replaced by T.
Protein change: p.Gln43Ter; replaces glutamine 43 with a stop codon.
Molecular consequence: nonsense.
Genome position (GRCh38, 1-based): chr17:56,834,922, C>T. VCF-style: chr17-56834922-C-T. GRCh37 (hg19) VCF-style: chr17-54912283-C-T.
Other names: short protein forms Q43*.
Identifiers: ClinVar variation 39578 (VCV000039578.2), dbSNP rs398123008, ClinGen allele CA130373.

ClinVar aggregate classification (germline): Pathogenic. Review status: criteria provided, single submitter (1 of 4 stars). 2 submissions from 2 submitters: Pathogenic (1). 1 of the submissions does not count toward it. Last evaluated 2025-09-26.

Conditions:
Mesangiocapillary glomerulonephritis. Also called: Membranoproliferative glomerulonephritis. Identifiers: MedGen C0017662, MONDO:0002461, HP:0000793.
Immunoglobulin-mediated membranoproliferative glomerulonephritis. Also called: NEPHROTIC SYNDROME, TYPE 7, WITH MEMBRANOPROLIFERATIVE GLOMERULONEPHRITIS; Nephrotic syndrome, type 7. Identifiers: Orphanet 329903, MedGen C3554330, MONDO:0014005, OMIM 615008.

Allele frequency attached by ClinVar (database versions not stated): gnomAD exomes below 0.00001.
gnomAD v4.1: 1 of 1,613,636 alleles (0.000062%); highest among the groups gnomAD compares: Non-Finnish European, 0.000085%; no homozygotes.

Submissions (2):

Genomenon, Inc
Classification: Pathogenic for Primary membranoproliferative glomerulonephritis. Last evaluated: 2025-09-26. Review status: criteria provided, single submitter. Criteria: Genomenon Sequence Variant Interpretation Standards - Updated. Collection method: curation. Allele origin: germline. Affected: yes.
Comment: DGKE p.Gln43Ter (c.127C>T) is a nonsense variant that introduces a premature stop codon at amino acid position 43, creating a truncated protein that is predicted to undergo nonsense-mediated mRNA decay. This variant has been observed in at least one proband affected with membranoproliferative glomerulonephritis (PMID:23274426). The variant was found to segregate with disease in at least one affected family (PMID:23274426). Functional studies have been reported; however, the significance of the findings remain unclear (PMID:23274426) It is absent or not present at a significant frequency in gnomAD. In conclusion, we classify DGKE p.Gln43Ter (c.127C>T) as a pathogenic variant.

OMIM
Classification: Pathogenic for NEPHROTIC SYNDROME, TYPE 7. Last evaluated: 2013-02-01. Review status: no assertion criteria provided. Collection method: literature only. Allele origin: germline. Not counted in ClinVar's aggregate classification.

Literature cited by the submitters: PubMed 23274426 (cited by Genomenon, Inc and OMIM).